The following is an entry in ClinVar:

ClinVar aggregate classification (germline): Conflicting classifications of pathogenicity. Review status: criteria provided, conflicting classifications (1 of 4 stars). 4 submissions from 4 submitters: Pathogenic (1); Uncertain significance (3). Last evaluated 2025-09-08.

Conditions:
Familial thoracic aortic aneurysm and aortic dissection (TAAD). Also called: Thoracic aortic aneurysms and dissections. Identifiers: Orphanet 91387, MedGen C4707243, MONDO:0019625.
Marfan syndrome (MFS). Also called: FBN1-Related Marfan Syndrome; Marfan syndrome type 1; Marfan's syndrome; Marfan syndrome, classic; MARFAN SYNDROME, TYPE I. Identifiers: Orphanet 284963, Orphanet 558, MedGen C0024796, MONDO:0007947, OMIM 154700.

Submissions (4):

Women's Health and Genetics/Laboratory Corporation of America, LabCorp
Classification: Uncertain significance. Last evaluated: 2025-09-08. Review status: criteria provided, single submitter. Criteria: LabCorp Variant Classification Summary - May 2015. Collection method: clinical testing. Allele origin: germline.
Comment: Variant summary: FBN1 c.3766A>C (p.Asn1256His) results in a conservative amino acid change in the encoded protein sequence. Algorithms developed to predict the effect of missense changes on protein structure and function are either unavailable or do not agree on the potential impact of this missense change. The variant was absent in 251136 control chromosomes. c.3766A>C has been observed in individual(s) affected with Marfan Syndrome (internal_testing) and shown to segregate with disease. These data indicate that the variant may be associated with disease. To our knowledge, no experimental evidence demonstrating an impact on protein function has been reported. ClinVar contains an entry for this variant (Variation ID: 572562). Based on the evidence outlined above, the variant was classified as VUS-possibly pathogenic.

Labcorp Genetics (formerly Invitae), Labcorp
Classification: Pathogenic for Marfan syndrome; Familial thoracic aortic aneurysm and aortic dissection. Last evaluated: 2025-02-12. Review status: criteria provided, single submitter. Criteria: Invitae Variant Classification Sherloc (09022015). Collection method: clinical testing. Allele origin: germline.
Comment: This sequence change replaces asparagine, which is neutral and polar, with histidine, which is basic and polar, at codon 1256 of the FBN1 protein (p.Asn1256His). This variant is not present in population databases (gnomAD no frequency). This missense change has been observed in individual(s) with clinical features of Marfan syndrome (internal data). It has also been observed to segregate with disease in related individuals. ClinVar contains an entry for this variant (Variation ID: 572562). Invitae Evidence Modeling of protein sequence and biophysical properties (such as structural, functional, and spatial information, amino acid conservation, physicochemical variation, residue mobility, and thermodynamic stability) indicates that this missense variant is expected to disrupt FBN1 protein function with a positive predictive value of 95%. For these reasons, this variant has been classified as Pathogenic.

GeneDx
Classification: Uncertain significance. Last evaluated: 2024-04-05. Review status: criteria provided, single submitter. Criteria: GeneDx Variant Classification Process June 2021. Collection method: clinical testing. Allele origin: germline. Affected: yes.
Comment: Not observed at significant frequency in large population cohorts (gnomAD); In silico analysis supports that this missense variant has a deleterious effect on protein structure/function; Has not been previously published as pathogenic or benign to our knowledge; This variant is associated with the following publications: (PMID: 12938084)

Blueprint Genetics
Classification: Uncertain significance. Last evaluated: 2019-03-27. Review status: criteria provided, single submitter. Criteria: ACMG Guidelines, 2015. Collection method: clinical testing. Allele origin: germline.

NM_000138.5(FBN1):c.3766A>C (p.Asn1256His)

Gene: FBN1 (fibrillin 1; minus strand). Cytogenetic location: 15q21.1.
Variant type: single nucleotide variant.
Coding change: c.3766A>C on transcript NM_000138.5 (MANE Select); coding-DNA position 3766, A replaced by C.
Protein change: p.Asn1256His; replaces asparagine 1256 with histidine.
Molecular consequence: missense variant.
Genome position (GRCh38, 1-based): chr15:48,483,890, T>G on the plus strand (A>C on the coding strand, the complement: FBN1 is on the minus strand). VCF-style: chr15-48483890-T-G. GRCh37 (hg19) VCF-style: chr15-48776087-T-G.
Other names: short protein forms N1256H.
Identifiers: ClinVar variation 572562 (VCV000572562.11), dbSNP rs772890884, ClinGen allele CA392323963.